The following is an entry in ClinVar:

NM_173689.7(CRB2):c.2168A>G (p.Asp723Gly)

Gene: CRB2 (crumbs cell polarity complex component 2; plus strand). Cytogenetic location: 9q33.3.
Variant type: single nucleotide variant.
Coding change: c.2168A>G on transcript NM_173689.7 (MANE Select); coding-DNA position 2168, A replaced by G.
Protein change: p.Asp723Gly; replaces aspartic acid 723 with glycine.
Molecular consequence: missense variant. On other transcripts: non-coding transcript variant (1).
Genome position (GRCh38, 1-based): chr9:123,371,310, A>G. VCF-style: chr9-123371310-A-G. GRCh37 (hg19) VCF-style: chr9-126133589-A-G.
Other names: short protein forms D723G.
Identifiers: ClinVar variation 4848409 (VCV004848409.1).

ClinVar aggregate classification (germline): Uncertain significance (1 of 4 stars; one submission).

Submission:

Women's Health and Genetics/Laboratory Corporation of America, LabCorp
Classification: Uncertain significance. Last evaluated: 2026-04-20. Review status: criteria provided, single submitter. Criteria: LabCorp Variant Classification Summary - May 2015. Collection method: clinical testing. Allele origin: germline.
Comment: Variant summary: CRB2 c.2168A>G (p.Asp723Gly) results in a non-conservative amino acid change in the encoded protein sequence. Algorithms developed to predict the effect of missense changes on protein structure and function are either unavailable or do not agree on the potential impact of this missense change. The variant was absent in 248424 control chromosomes. The available data on variant occurrences in the general population are insufficient to allow any conclusion about variant significance. To our knowledge, no occurrence of c.2168A>G in individuals affected with CRB2-related conditions and no experimental evidence demonstrating its impact on protein function have been reported. No submitters have cited clinical-significance assessments for this variant to ClinVar. Based on the evidence outlined above, the variant was classified as uncertain significance.